The following is an entry in ClinVar:

NM_000245.4(MET):c.3803C>G (p.Ser1268Cys)

Gene: MET (MET proto-oncogene, receptor tyrosine kinase; plus strand). Cytogenetic location: 7q31.2.
Variant type: single nucleotide variant.
Coding change: c.3803C>G on transcript NM_000245.4 (MANE Select); coding-DNA position 3803, C replaced by G.
Protein change: p.Ser1268Cys; replaces serine 1268 with cysteine.
Molecular consequence: missense variant.
Genome position (GRCh38, 1-based): chr7:116,795,659, C>G. VCF-style: chr7-116795659-C-G. GRCh37 (hg19) VCF-style: chr7-116435713-C-G.
Other names: c.3857C>G, p.Ser1286Cys (NM_001127500.3); c.2513C>G, p.Ser838Cys (NM_001324402.2); short protein forms S1286C, S838C, S1268C.
Identifiers: ClinVar variation 4106781 (VCV004106781.1).

ClinVar aggregate classification (germline): Uncertain significance (1 of 4 stars; one submission).

Conditions:
Hereditary cancer-predisposing syndrome. Also called: Tumor predisposition; Neoplastic Syndromes, Hereditary; Hereditary neoplastic syndrome; Hereditary Cancer Syndrome. Identifiers: Orphanet 140162, MedGen C0027672, MeSH D009386, MONDO:0015356.

Submission:

Ambry Genetics
Classification: Uncertain significance for Hereditary cancer-predisposing syndrome. Last evaluated: 2025-08-08. Review status: criteria provided, single submitter. Criteria: Ambry Variant Classification Scheme 2023. Collection method: clinical testing. Allele origin: germline.
Comment: The p.S1286C variant (also known as c.3857C>G), located in coding exon 19 of the MET gene, results from a C to G substitution at nucleotide position 3857. The serine at codon 1286 is replaced by cysteine, an amino acid with dissimilar properties. This amino acid position is conserved. In addition, this alteration is predicted to be deleterious by in silico analysis. Based on the available evidence, the clinical significance of this variant remains unclear.